The following is an entry in ClinVar:

NM_001013838.3(CARMIL2):c.2728G>A (p.Ala910Thr)

Gene: CARMIL2 (capping protein regulator and myosin 1 linker 2; plus strand). Cytogenetic location: 16q22.1.
Variant type: single nucleotide variant.
Coding change: c.2728G>A on transcript NM_001013838.3 (MANE Select); coding-DNA position 2728, G replaced by A.
Protein change: p.Ala910Thr; replaces alanine 910 with threonine.
Molecular consequence: missense variant.
Genome position (GRCh38, 1-based): chr16:67,652,250, G>A. VCF-style: chr16-67652250-G-A. GRCh37 (hg19) VCF-style: chr16-67686153-G-A.
Other names: c.2620G>A, p.Ala874Thr (NM_001317026.3); short protein forms A874T, A910T.
Identifiers: ClinVar variation 1717071 (VCV001717071.5), dbSNP rs2543565614, ClinGen allele CA396342163.

ClinVar aggregate classification (germline): Uncertain significance (1 of 4 stars; one submission).

Allele frequency attached by ClinVar (database versions not stated): gnomAD exomes below 0.00001.
gnomAD v4.1: 1 of 1,613,302 alleles (0.000062%); highest among the groups gnomAD compares: Non-Finnish European, 0.000085%; no homozygotes.

Submission:

Labcorp Genetics (formerly Invitae), Labcorp
Classification: Uncertain significance. Last evaluated: 2022-08-20. Review status: criteria provided, single submitter. Criteria: Invitae Variant Classification Sherloc (09022015). Collection method: clinical testing. Allele origin: germline.
Comment: In summary, the available evidence is currently insufficient to determine the role of this variant in disease. Therefore, it has been classified as a Variant of Uncertain Significance. This sequence change replaces alanine, which is neutral and non-polar, with threonine, which is neutral and polar, at codon 910 of the CARMIL2 protein (p.Ala910Thr). This variant is not present in population databases (gnomAD no frequency). This variant has not been reported in the literature in individuals affected with CARMIL2-related conditions. Algorithms developed to predict the effect of missense changes on protein structure and function output the following: SIFT: "Tolerated"; PolyPhen-2: "Benign"; Align-GVGD: "Class C0". The threonine amino acid residue is found in multiple mammalian species, which suggests that this missense change does not adversely affect protein function. Algorithms developed to predict the effect of sequence changes on RNA splicing suggest that this variant may disrupt the consensus splice site.